The following is an entry in ClinVar:

NM_000548.5(TSC2):c.1390A>C (p.Lys464Gln)

Gene: TSC2 (TSC complex subunit 2; plus strand). Cytogenetic location: 16p13.3.
Variant type: single nucleotide variant.
Coding change: c.1390A>C on transcript NM_000548.5 (MANE Select); coding-DNA position 1390, A replaced by C.
Protein change: p.Lys464Gln; replaces lysine 464 with glutamine.
Molecular consequence: missense variant.
Genome position (GRCh38, 1-based): chr16:2,063,000, A>C. VCF-style: chr16-2063000-A-C. GRCh37 (hg19) VCF-style: chr16-2113001-A-C.
Other names: c.1390A>C, p.Lys464Gln (NM_001077183.3, NM_001114382.3, NM_001363528.2 and 3 more transcripts); c.1279A>C, p.Lys427Gln (NM_001318827.2); c.1243A>C, p.Lys415Gln (NM_001318829.2); c.790A>C, p.Lys264Gln (NM_001318831.2); c.1423A>C, p.Lys475Gln (NM_001318832.2); short protein forms K427Q, K475Q, K264Q, K415Q, K464Q.
Identifiers: ClinVar variation 662892 (VCV000662892.11), dbSNP rs1555501694, ClinGen allele CA394323765.
Genomic context (GRCh38, chr16:2,063,000, plus strand): 5'-CCCACCCGCCCCAGCAGGCTGCCGTCCCGCAGGAGCGAGTCCCGAGGCGCCGTGCGCATC[A>C]AGGTGCTGGACGTGCTGTCCTTTGTGCTGCTCATCAACAGGCAGTTCTATGAGGTGCGTG-3'
Protein context (NP_000539.2, residues 454-474): RSESRGAVRI[Lys464Gln]VLDVLSFVLL

ClinVar aggregate classification (germline): Conflicting classifications of pathogenicity. Review status: criteria provided, conflicting classifications (1 of 4 stars). 4 submissions from 4 submitters: Uncertain significance (3); Benign (1). Last evaluated 2025-09-03.

Conditions:
Hereditary cancer-predisposing syndrome. Also called: Neoplastic Syndromes, Hereditary; Hereditary neoplastic syndrome; Tumor predisposition; Hereditary Cancer Syndrome. Identifiers: Orphanet 140162, MedGen C0027672, MeSH D009386, MONDO:0015356.
Tuberous sclerosis 2 (TSC2). Identifiers: Orphanet 805, MedGen C1860707, MONDO:0013199, OMIM 613254.
Isolated focal cortical dysplasia type II (FCORD2). Also called: CORTICAL DYSPLASIA OF TAYLOR; Focal cortical dysplasia type II. Identifiers: Orphanet 268994, MedGen C1846385, MONDO:0011818, OMIM 607341, HP:0032051.
Lymphangiomyomatosis (LAM). Also called: Lymphangioleiomyomatosis; Lymphangioleiomyomatosis, somatic. Identifiers: Orphanet 538, MedGen C0751674, MONDO:0011705, OMIM 606690.

Submissions (4):

Labcorp Genetics (formerly Invitae), Labcorp
Classification: Benign for Tuberous sclerosis 2. Last evaluated: 2025-09-03. Review status: criteria provided, single submitter. Criteria: Invitae Variant Classification Sherloc (09022015). Collection method: clinical testing. Allele origin: germline.

GeneDx
Classification: Uncertain significance. Last evaluated: 2025-05-12. Review status: criteria provided, single submitter. Criteria: GeneDx Variant Classification Process June 2021. Collection method: clinical testing. Allele origin: germline. Affected: yes.
Comment: Not observed at significant frequency in large population cohorts (gnomAD); In silico analysis supports that this missense variant has a deleterious effect on protein structure/function; Has not been previously published as pathogenic or benign to our knowledge

Fulgent Genetics
Classification: Uncertain significance for Lymphangiomyomatosis; Isolated focal cortical dysplasia type II; Tuberous sclerosis 2. Last evaluated: 2024-05-14. Review status: criteria provided, single submitter. Criteria: ACMG Guidelines, 2015. Collection method: clinical testing. Allele origin: germline.

Ambry Genetics
Classification: Uncertain significance for Hereditary cancer-predisposing syndrome. Last evaluated: 2024-01-03. Review status: criteria provided, single submitter. Criteria: Ambry Variant Classification Scheme 2023. Collection method: clinical testing. Allele origin: germline.
Comment: The p.K464Q variant (also known as c.1390A>C), located in coding exon 13 of the TSC2 gene, results from an A to C substitution at nucleotide position 1390. The lysine at codon 464 is replaced by glutamine, an amino acid with similar properties. This amino acid position is conserved. In addition, this alteration is predicted to be deleterious by in silico analysis. Since supporting evidence is limited at this time, the clinical significance of this alteration remains unclear.